The following is an entry in ClinVar:

NM_004260.4(RECQL4):c.2353G>A (p.Ala785Thr)

Gene: RECQL4 (RecQ like helicase 4; minus strand). Cytogenetic location: 8q24.3.
Variant type: single nucleotide variant.
Coding change: c.2353G>A on transcript NM_004260.4 (MANE Select); coding-DNA position 2353, G replaced by A.
Protein change: p.Ala785Thr; replaces alanine 785 with threonine.
Molecular consequence: missense variant.
Genome position (GRCh38, 1-based): chr8:144,513,328, C>T on the plus strand (G>A on the coding strand, the complement: RECQL4 is on the minus strand). VCF-style: chr8-144513328-C-T. GRCh37 (hg19) VCF-style: chr8-145738711-C-T.
Other names: short protein forms A785T.
Identifiers: ClinVar variation 406921 (VCV000406921.6), dbSNP rs1060501362, ClinGen allele CA16612335.

ClinVar aggregate classification (germline): Uncertain significance. Review status: criteria provided, multiple submitters, no conflicts (2 of 4 stars). 2 submissions from 2 submitters: Uncertain significance (2). Last evaluated 2025-03-30.

Conditions:
Inborn genetic diseases. Identifiers: MedGen C0950123, MeSH D030342.
Baller-Gerold syndrome (BGS). Also called: CRANIOSYNOSTOSIS WITH RADIAL DEFECTS. Identifiers: Orphanet 1225, MedGen C0265308, MONDO:0009039, OMIM 218600.

Allele frequency attached by ClinVar (database versions not stated): gnomAD exomes below 0.00001; TOPMed below 0.00001.
gnomAD v4.1: 1 of 1,603,214 alleles (0.000062%); highest among the groups gnomAD compares: Non-Finnish European, 0.000085%; no homozygotes.

Submissions (2):

Ambry Genetics
Classification: Uncertain significance for Inborn genetic diseases. Last evaluated: 2025-03-30. Review status: criteria provided, single submitter. Criteria: Ambry Variant Classification Scheme 2023. Collection method: clinical testing. Allele origin: germline.
Comment: The p.A785T variant (also known as c.2353G>A), located in coding exon 14 of the RECQL4 gene, results from a G to A substitution at nucleotide position 2353. The alanine at codon 785 is replaced by threonine, an amino acid with similar properties. This amino acid position is conserved. Based on the available evidence, the clinical significance of this variant remains unclear.

Labcorp Genetics (formerly Invitae), Labcorp
Classification: Uncertain significance for Baller-Gerold syndrome. Last evaluated: 2023-10-19. Review status: criteria provided, single submitter. Criteria: Invitae Variant Classification Sherloc (09022015). Collection method: clinical testing. Allele origin: germline.
Comment: This sequence change replaces alanine, which is neutral and non-polar, with threonine, which is neutral and polar, at codon 785 of the RECQL4 protein (p.Ala785Thr). This variant is not present in population databases (gnomAD no frequency). This variant has not been reported in the literature in individuals affected with RECQL4-related conditions. ClinVar contains an entry for this variant (Variation ID: 406921). Advanced modeling of protein sequence and biophysical properties (such as structural, functional, and spatial information, amino acid conservation, physicochemical variation, residue mobility, and thermodynamic stability) performed at Invitae indicates that this missense variant is expected to disrupt RECQL4 protein function. In summary, the available evidence is currently insufficient to determine the role of this variant in disease. Therefore, it has been classified as a Variant of Uncertain Significance.